The following is an entry in ClinVar:

ClinVar aggregate classification (germline): Uncertain significance. Review status: criteria provided, multiple submitters, no conflicts (2 of 4 stars). 3 submissions from 3 submitters: Uncertain significance (3). Last evaluated 2025-12-24.

Allele frequency attached by ClinVar (database versions not stated): ExAC 0.00011; gnomAD 0.00011; TOPMed 0.00014; gnomAD exomes 0.00033; ESP Exome Variant Server 0.00038.

Submissions (3):

Labcorp Genetics (formerly Invitae), Labcorp
Classification: Uncertain significance. Last evaluated: 2025-12-24. Review status: criteria provided, single submitter. Criteria: Invitae Variant Classification Sherloc (09022015). Collection method: clinical testing. Allele origin: germline.
Comment: This sequence change replaces arginine, which is basic and polar, with tryptophan, which is neutral and slightly polar, at codon 196 of the DNAJC17 protein (p.Arg196Trp). This variant is present in population databases (rs141339155, gnomAD 0.02%). This variant has not been reported in the literature in individuals affected with DNAJC17-related conditions. ClinVar contains an entry for this variant (Variation ID: 2063132). An algorithm developed to predict the effect of missense changes on protein structure and function (PolyPhen-2) suggests that this variant is likely to be tolerated. Algorithms developed to predict the effect of sequence changes on RNA splicing suggest that this variant may disrupt the consensus splice site. In summary, the available evidence is currently insufficient to determine the role of this variant in disease. Therefore, it has been classified as a Variant of Uncertain Significance.

Ambry Genetics
Classification: Uncertain significance. Last evaluated: 2025-02-18. Review status: criteria provided, single submitter. Criteria: Ambry Variant Classification Scheme 2023. Collection method: clinical testing. Allele origin: germline.

Breakthrough Genomics
Classification: Uncertain significance. Review status: criteria provided, single submitter. Criteria: ACMG Guidelines, 2015. Collection method: not provided. Allele origin: germline. Inheritance: Unknown mechanism. Affected: yes.

NM_018163.3(DNAJC17):c.586C>T (p.Arg196Trp)

Gene: DNAJC17 (DnaJ heat shock protein family (Hsp40) member C17; minus strand). Cytogenetic location: 15q15.1.
Variant type: single nucleotide variant.
Coding change: c.586C>T on transcript NM_018163.3 (MANE Select); coding-DNA position 586, C replaced by T.
Protein change: p.Arg196Trp; replaces arginine 196 with tryptophan.
Molecular consequence: missense variant.
Genome position (GRCh38, 1-based): chr15:40,775,045, G>A on the plus strand (C>T on the coding strand, the complement: DNAJC17 is on the minus strand). VCF-style: chr15-40775045-G-A. GRCh37 (hg19) VCF-style: chr15-41067243-G-A.
Other names: short protein forms R196W.
Identifiers: ClinVar variation 2063132 (VCV002063132.7), dbSNP rs141339155, ClinGen allele CA7485088.